The following is an entry in ClinVar:

ClinVar aggregate classification (germline): Uncertain significance. Review status: criteria provided, multiple submitters, no conflicts (2 of 4 stars). 3 submissions from 3 submitters: Uncertain significance (3). Last evaluated 2024-08-11.

Conditions:
Inborn genetic diseases. Identifiers: MedGen C0950123, MeSH D030342.
Cohen syndrome (COH1). Also called: Cutis verticis gyrata, retinitis pigmentosa, and sensorineural deafness; PEPPER SYNDROME. Identifiers: Orphanet 193, MedGen C0265223, MONDO:0008999, OMIM 216550.

Allele frequency attached by ClinVar (database versions not stated): ExAC 0.00001; gnomAD exomes 0.00001; TOPMed 0.00001.
gnomAD v4.1: 18 of 1,614,092 alleles (0.0011%); highest among the groups gnomAD compares: Non-Finnish European, 0.0015%; no homozygotes.

Submissions (3):

Ambry Genetics
Classification: Uncertain significance for Inborn genetic diseases. Last evaluated: 2024-08-11. Review status: criteria provided, single submitter. Criteria: Ambry Variant Classification Scheme 2023. Collection method: clinical testing. Allele origin: germline.

Blueprint Genetics
Classification: Uncertain significance. Last evaluated: 2024-02-29. Review status: criteria provided, single submitter. Criteria: ACMG Guidelines, 2015. Collection method: clinical testing. Allele origin: germline.

Labcorp Genetics (formerly Invitae), Labcorp
Classification: Uncertain significance for Cohen syndrome. Last evaluated: 2022-09-19. Review status: criteria provided, single submitter. Criteria: Invitae Variant Classification Sherloc (09022015). Collection method: clinical testing. Allele origin: germline.
Comment: This sequence change replaces leucine, which is neutral and non-polar, with valine, which is neutral and non-polar, at codon 1965 of the VPS13B protein (p.Leu1965Val). This variant is present in population databases (rs781154165, gnomAD 0.003%). This variant has not been reported in the literature in individuals affected with VPS13B-related conditions. ClinVar contains an entry for this variant (Variation ID: 1424933). Advanced modeling of protein sequence and biophysical properties (such as structural, functional, and spatial information, amino acid conservation, physicochemical variation, residue mobility, and thermodynamic stability) performed at Invitae indicates that this missense variant is not expected to disrupt VPS13B protein function. In summary, the available evidence is currently insufficient to determine the role of this variant in disease. Therefore, it has been classified as a Variant of Uncertain Significance.

NM_152564.5(VPS13B):c.5818C>G (p.Leu1940Val)

Gene: VPS13B (vacuolar protein sorting 13 homolog B; plus strand). Cytogenetic location: 8q22.2.
Variant type: single nucleotide variant.
Coding change: c.5818C>G on transcript NM_152564.5 (MANE Select); coding-DNA position 5818, C replaced by G.
Protein change: p.Leu1940Val; replaces leucine 1940 with valine.
Molecular consequence: missense variant.
Genome position (GRCh38, 1-based): chr8:99,642,408, C>G. VCF-style: chr8-99642408-C-G. GRCh37 (hg19) VCF-style: chr8-100654636-C-G.
Other names: c.5893C>G, p.Leu1965Val (NM_017890.5); c.5893C>G (NM_017890.3); short protein forms L1940V, L1965V.
Identifiers: ClinVar variation 1424933 (VCV001424933.5), dbSNP rs781154165, ClinGen allele CA4823876.